The following is an entry in ClinVar:

NM_001364905.1(LRBA):c.5501T>C (p.Leu1834Pro)

Gene: LRBA (LPS responsive beige-like anchor protein; minus strand). Cytogenetic location: 4q31.3.
Variant type: single nucleotide variant.
Coding change: c.5501T>C on transcript NM_001364905.1 (MANE Select); coding-DNA position 5501, T replaced by C.
Protein change: p.Leu1834Pro; replaces leucine 1834 with proline.
Molecular consequence: missense variant.
Genome position (GRCh38, 1-based): chr4:150,806,288, A>G on the plus strand (T>C on the coding strand, the complement: LRBA is on the minus strand). VCF-style: chr4-150806288-A-G. GRCh37 (hg19) VCF-style: chr4-151727440-A-G.
Other names: c.5501T>C, p.Leu1834Pro (NM_001199282.3, NM_001367550.1, NM_006726.5); short protein forms L1834P.
Identifiers: ClinVar variation 2734676 (VCV002734676.3), dbSNP rs1361966864, ClinGen allele CA358609595.
Genomic context (GRCh38, chr4:150,806,288, plus strand): 5'-GAAATATAAATACATACAAATAAAATAAAGAAAAACCACTTACTTGTTCCTTCTATAAGC[A>G]GTTCTTGTCCATGGCTACCCAAAAGTGTCCGAGAAAGAAAAGGTGCAAAATCCACAAAAA-3'
Protein context (NP_001351834.1, residues 1824-1844): RTLLGSHGQE[Leu1834Pro]LIEGTSLVCM

ClinVar aggregate classification (germline): Uncertain significance (1 of 4 stars; one submission).

Conditions:
Combined immunodeficiency due to LRBA deficiency. Also called: Common variable immunodeficiency 8, with autoimmunity. Identifiers: Orphanet 445018, MedGen C3553512, MONDO:0013863, OMIM 614700.

Allele frequency attached by ClinVar (database versions not stated): gnomAD exomes below 0.00001; gnomAD 0.00001; TOPMed 0.00001.
gnomAD v4.1: 4 of 1,591,470 alleles (0.00025%); highest among the groups gnomAD compares: Non-Finnish European, 0.00034%; no homozygotes.

Submission:

Labcorp Genetics (formerly Invitae), Labcorp
Classification: Uncertain significance for Combined immunodeficiency due to LRBA deficiency. Last evaluated: 2023-09-22. Review status: criteria provided, single submitter. Criteria: Invitae Variant Classification Sherloc (09022015). Collection method: clinical testing. Allele origin: germline.
Comment: This sequence change replaces leucine, which is neutral and non-polar, with proline, which is neutral and non-polar, at codon 1834 of the LRBA protein (p.Leu1834Pro). In summary, the available evidence is currently insufficient to determine the role of this variant in disease. Therefore, it has been classified as a Variant of Uncertain Significance. Advanced modeling of protein sequence and biophysical properties (such as structural, functional, and spatial information, amino acid conservation, physicochemical variation, residue mobility, and thermodynamic stability) performed at Invitae indicates that this missense variant is expected to disrupt LRBA protein function. This missense change has been observed in individual(s) with LRBA deficiency (PMID: 26206937). The frequency data for this variant in the population databases is considered unreliable, as metrics indicate poor data quality at this position in the gnomAD database.

Literature cited by the submitters: PubMed 26206937.